The following is an entry in ClinVar:

NM_016156.6(MTMR2):c.1450A>G (p.Ile484Val)

Gene: MTMR2 (myotubularin related protein 2; minus strand). Cytogenetic location: 11q21.
Variant type: single nucleotide variant.
Coding change: c.1450A>G on transcript NM_016156.6 (MANE Select); coding-DNA position 1450, A replaced by G.
Protein change: p.Ile484Val; replaces isoleucine 484 with valine.
Molecular consequence: missense variant.
Genome position (GRCh38, 1-based): chr11:95,841,646, T>C on the plus strand (A>G on the coding strand, the complement: MTMR2 is on the minus strand). VCF-style: chr11-95841646-T-C. GRCh37 (hg19) VCF-style: chr11-95574810-T-C.
Other names: c.1234A>G, p.Ile412Val (NM_001243571.2, NM_201278.3, NM_201281.3); short protein forms I484V, I412V.
Identifiers: ClinVar variation 306540 (VCV000306540.12), dbSNP rs886048771, ClinGen allele CA10640529.
Genomic context (GRCh38, chr11:95,841,646, plus strand): 5'-TGTGTAAGAATACATAGGCCAGATAAATTACCTGTCTTGTCATCTGCCAGACACAGTCAA[T>C]AAATTGAAGAAAAACAGGCGATCTGTCTGCATCTGCATGGTTCTTATCTCCATGGCCAAC-3'
Protein context (NP_057240.3, residues 474-494): ADRSPVFLQF[Ile484Val]DCVWQMTRQF

ClinVar aggregate classification (germline): Uncertain significance. Review status: criteria provided, multiple submitters, no conflicts (2 of 4 stars). 2 submissions from 2 submitters: Uncertain significance (2). Last evaluated 2025-11-20.

Conditions:
Charcot-Marie-Tooth disease type 4. Also called: Charcot-Marie-Tooth, Type 4; Charcot-Marie-Tooth disease, type IV. Identifiers: Orphanet 64749, MedGen C4082197, MONDO:0018995.
Inborn genetic diseases. Identifiers: MedGen C0950123, MeSH D030342.

Allele frequency attached by ClinVar (database versions not stated): gnomAD exomes below 0.00001; TOPMed 0.00001; gnomAD 0.00002.
gnomAD v4.1: 4 of 1,613,480 alleles (0.00025%); highest among the groups gnomAD compares: Non-Finnish European, 0.00034%; no homozygotes.

Submissions (2):

Ambry Genetics
Classification: Uncertain significance for Inborn genetic diseases. Last evaluated: 2025-11-20. Review status: criteria provided, single submitter. Criteria: Ambry Variant Classification Scheme 2023. Collection method: clinical testing. Allele origin: germline.

Labcorp Genetics (formerly Invitae), Labcorp
Classification: Uncertain significance for Charcot-Marie-Tooth disease type 4. Last evaluated: 2025-05-29. Review status: criteria provided, single submitter. Criteria: Invitae Variant Classification Sherloc (09022015). Collection method: clinical testing. Allele origin: germline.
Comment: This sequence change replaces isoleucine, which is neutral and non-polar, with valine, which is neutral and non-polar, at codon 484 of the MTMR2 protein (p.Ile484Val). This variant is present in population databases (no rsID available, gnomAD 0.01%). This variant has not been reported in the literature in individuals affected with MTMR2-related conditions. ClinVar contains an entry for this variant (Variation ID: 306540). Invitae Evidence Modeling of protein sequence and biophysical properties (such as structural, functional, and spatial information, amino acid conservation, physicochemical variation, residue mobility, and thermodynamic stability) indicates that this missense variant is not expected to disrupt MTMR2 protein function with a negative predictive value of 80%. In summary, the available evidence is currently insufficient to determine the role of this variant in disease. Therefore, it has been classified as a Variant of Uncertain Significance.